The following is an entry in ClinVar:

ClinVar aggregate classification (germline): Pathogenic (1 of 4 stars; one submission).

Conditions:
Hereditary breast ovarian cancer syndrome. Also called: Hereditary breast and ovarian cancer syndrome; BRCA1- and BRCA2-Associated Hereditary Breast and Ovarian Cancer; Hereditary breast and ovarian cancer syndrome (HBOC); Hereditary breast and/or ovarian cancer syndrome; Hereditary breast and ovarian cancer; Breast and ovarian cancer. Identifiers: Orphanet 145, MedGen C0677776, MeSH D061325, MONDO:0003582. Disease mechanism: loss of function.

Submission:

Labcorp Genetics (formerly Invitae), Labcorp
Classification: Pathogenic for Hereditary breast ovarian cancer syndrome. Last evaluated: 2022-04-19. Review status: criteria provided, single submitter. Criteria: Invitae Variant Classification Sherloc (09022015). Collection method: clinical testing. Allele origin: germline.
Comment: This sequence change creates a premature translational stop signal (p.Arg3237Valfs*16) in the BRCA2 gene. While this is not anticipated to result in nonsense mediated decay, it is expected to disrupt the last 182 amino acid(s) of the BRCA2 protein. This variant is not present in population databases (gnomAD no frequency). This variant has not been reported in the literature in individuals affected with BRCA2-related conditions. This variant disrupts a region of the BRCA2 protein in which other variant(s) (p.Tyr3308*) have been determined to be pathogenic (PMID: 17026620, 18593900, 18607349, 22711857). This suggests that this is a clinically significant region of the protein, and that variants that disrupt it are likely to be disease-causing. For these reasons, this variant has been classified as Pathogenic.

Literature cited by the submitters: PubMed 17026620; PubMed 18593900; PubMed 18607349; PubMed 22711857.

NM_000059.4(BRCA2):c.9709_9713del (p.Arg3237fs)

Gene: BRCA2 (BRCA2 DNA repair associated; plus strand). Cytogenetic location: 13q13.1.
Variant type: Deletion.
Coding change: c.9709_9713del on transcript NM_000059.4 (MANE Select); coding-DNA positions 9709 to 9713, 5 bases deleted (AGGAA; older notation c.9709_9713delAGGAA).
Protein change: p.Arg3237fs; shifts the reading frame from arginine 3237.
Molecular consequence: frameshift variant.
Genome position (GRCh38, 1-based): chr13:32,398,222-32,398,226, AGGAA deleted; deleting any 5 consecutive bases within chr13:32,398,220-32,398,226 gives the same sequence; the c. name uses the placement nearest the transcript's 3' end. VCF-style (leftmost placement, unchanged base first): chr13-32398219-AAAAGG-A. GRCh37 (hg19) VCF-style: chr13-32972356-AAAAGG-A.
Other names: c.9613_9617delAGGAA, p.Arg3205Valfs (NM_001406719.1); c.9658_9662delAGGAA, p.Arg3220Valfs (NM_001406720.1); c.4777_4781delAGGAA, p.Arg1593Valfs (NM_001406721.1); c.3292_3296delAGGAA, p.Arg1098Valfs (NM_001406722.1); short protein forms R3237fs.
Identifiers: ClinVar variation 2127883 (VCV002127883.4), dbSNP rs2548564685, ClinGen allele CA2580087442.